The following is an entry in ClinVar:

NM_021020.5(LZTS1):c.593C>T (p.Thr198Ile)

Gene: LZTS1 (leucine zipper tumor suppressor 1; minus strand). Cytogenetic location: 8p21.3.
Variant type: single nucleotide variant.
Coding change: c.593C>T on transcript NM_021020.5 (MANE Select); coding-DNA position 593, C replaced by T.
Protein change: p.Thr198Ile; replaces threonine 198 with isoleucine.
Molecular consequence: missense variant.
Genome position (GRCh38, 1-based): chr8:20,253,338, G>A on the plus strand (C>T on the coding strand, the complement: LZTS1 is on the minus strand). VCF-style: chr8-20253338-G-A. GRCh37 (hg19) VCF-style: chr8-20110849-G-A.
Other names: c.593C>T, p.Thr198Ile (NM_001362884.2); short protein forms T198I.
Identifiers: ClinVar variation 2837497 (VCV002837497.3), dbSNP rs1204348713, ClinGen allele CA370477945.

ClinVar aggregate classification (germline): Uncertain significance (1 of 4 stars; one submission).

Allele frequency attached by ClinVar (database versions not stated): TOPMed below 0.00001; gnomAD exomes 0.00001; gnomAD 0.00003.
gnomAD v4.1: 10 of 1,613,554 alleles (0.00062%); highest among the groups gnomAD compares: Admixed American, 0.0083%; no homozygotes.

Submission:

Labcorp Genetics (formerly Invitae), Labcorp
Classification: Uncertain significance. Last evaluated: 2023-02-14. Review status: criteria provided, single submitter. Criteria: Invitae Variant Classification Sherloc (09022015). Collection method: clinical testing. Allele origin: germline.
Comment: This variant has not been reported in the literature in individuals affected with LZTS1-related conditions. This variant is present in population databases (no rsID available, gnomAD 0.009%). This sequence change replaces threonine, which is neutral and polar, with isoleucine, which is neutral and non-polar, at codon 198 of the LZTS1 protein (p.Thr198Ile). Advanced modeling of protein sequence and biophysical properties (such as structural, functional, and spatial information, amino acid conservation, physicochemical variation, residue mobility, and thermodynamic stability) performed at Invitae indicates that this missense variant is not expected to disrupt LZTS1 protein function. In summary, the available evidence is currently insufficient to determine the role of this variant in disease. Therefore, it has been classified as a Variant of Uncertain Significance.